The following is an entry in ClinVar:

NM_002778.4(PSAP):c.720+5G>A

Gene: PSAP (prosaposin; minus strand). Cytogenetic location: 10q22.1.
Variant type: single nucleotide variant.
Coding change: c.720+5G>A on transcript NM_002778.4 (MANE Select); 5 bases into the intron after coding-DNA position 720, G replaced by A.
Molecular consequence: intron variant.
Genome position (GRCh38, 1-based): chr10:71,828,009, C>T on the plus strand (G>A on the coding strand, the complement: PSAP is on the minus strand). VCF-style: chr10-71828009-C-T. GRCh37 (hg19) VCF-style: chr10-73587766-C-T.
Other names: c.720+5G>A (NM_001042466.3, NM_001042465.3).
Identifiers: ClinVar variation 1411977 (VCV001411977.4), dbSNP rs1313793654, ClinGen allele CA594310031.

ClinVar aggregate classification (germline): Uncertain significance (1 of 4 stars; one submission).

Conditions:
Sphingolipid activator protein 1 deficiency. Also called: Metachromatic leukodystrophy due to saposin B deficiency; METACHROMATIC LEUKODYSTROPHY DUE TO CEREBROSIDE SULFATASE ACTIVATOR DEFICIENCY; Saposin B Deficiency. Identifiers: Orphanet 512, MedGen C0268262, MONDO:0009590, OMIM 249900.

Allele frequency attached by ClinVar (database versions not stated): gnomAD exomes below 0.00001.
gnomAD v4.1: 1 of 1,614,184 alleles (0.000062%); highest among the groups gnomAD compares: East Asian, 0.0022%; no homozygotes.

Submission:

Labcorp Genetics (formerly Invitae), Labcorp
Classification: Uncertain significance for Sphingolipid activator protein 1 deficiency. Last evaluated: 2025-05-16. Review status: criteria provided, single submitter. Criteria: Invitae Variant Classification Sherloc (09022015). Collection method: clinical testing. Allele origin: germline.
Comment: This sequence change falls in intron 6 of the PSAP gene. It does not directly change the encoded amino acid sequence of the PSAP protein. It affects a nucleotide within the consensus splice site. This variant is present in population databases (no rsID available, gnomAD 0.006%). This variant has not been reported in the literature in individuals affected with PSAP-related conditions. ClinVar contains an entry for this variant (Variation ID: 1411977). Variants that disrupt the consensus splice site are a relatively common cause of aberrant splicing (PMID: 17576681, 9536098). Algorithms developed to predict the effect of sequence changes on RNA splicing suggest that this variant may disrupt the consensus splice site. In summary, the available evidence is currently insufficient to determine the role of this variant in disease. Therefore, it has been classified as a Variant of Uncertain Significance.

Literature cited by the submitters: PubMed 17576681; PubMed 9536098.